The following is an entry in ClinVar:

NM_003781.4(B3GALNT1):c.-220-9_-220-7del

Gene: B3GALNT1 (beta-1,3-N-acetylgalactosaminyltransferase 1 (Globoside blood group); minus strand). Cytogenetic location: 3q26.1.
Variant type: Microsatellite.
Coding change: c.-220-9_-220-7del on transcript NM_003781.4 (MANE Select); 9 bases into the intron before 220 bases upstream of the start codon through 7 bases into the intron before 220 bases upstream of the start codon, 3 bases deleted (TCT; older notation c.-220-9_-220-7delTCT).
Molecular consequence: intron variant.
Genome position (GRCh38, 1-based): chr3:161,103,524-161,103,526, AGA deleted on the plus strand (TCT on the coding strand, the reverse complement: B3GALNT1 is on the minus strand); deleting any 3 consecutive bases within chr3:161,103,524-161,103,530 gives the same sequence; the c. name uses the placement nearest the transcript's 3' end. VCF-style (leftmost placement, unchanged base first): chr3-161103523-CAGA-C. GRCh37 (hg19) VCF-style: chr3-160821311-CAGA-C.
Other names: c.-122-12_-122-10del (NM_001349142.2); c.-217-12_-217-10del (NM_001349134.2, NM_001349138.2, NM_001349130.2 and 3 more transcripts); c.25-12_25-10del (NM_001349163.2, NM_001349162.2); c.-125-9_-125-7del (NM_033168.3, NM_001349158.2); c.-244-9_-244-7del (NM_001349141.2, NM_001349155.2); c.-318-9_-318-7del (NM_001349133.2); c.-339-9_-339-7del (NM_033167.3, NM_001349137.2, NM_001349151.2 and 2 more transcripts); c.-218-9_-218-7del (NM_001349136.2, NM_001349157.2); and 5 more.
Identifiers: ClinVar variation 3058378 (VCV003058378.2), dbSNP rs1439545787, ClinGen allele CA547527063.

ClinVar aggregate classification (germline): Likely benign (0 of 4 stars; one submission).

Conditions:
B3GALNT1-related disorder. Also called: B3GALNT1-related condition.

Submission:

PreventionGenetics, part of Exact Sciences
Classification: Likely benign for B3GALNT1-related condition. Last evaluated: 2019-02-28. Review status: no assertion criteria provided. Collection method: clinical testing. Allele origin: germline.
Comment: This variant is classified as likely benign based on ACMG/AMP sequence variant interpretation guidelines (Richards et al. 2015 PMID: 25741868, with internal and published modifications).